The following is an entry in ClinVar:

ClinVar aggregate classification (germline): Uncertain significance (1 of 4 stars; one submission).

Conditions:
RYR1-related disorder. Also called: RYR1-related condition; RYR1-related disorders. Identifiers: MedGen CN239331.

Submission:

Labcorp Genetics (formerly Invitae), Labcorp
Classification: Uncertain significance for RYR1-related disorder. Last evaluated: 2024-02-15. Review status: criteria provided, single submitter. Criteria: Invitae Variant Classification Sherloc (09022015). Collection method: clinical testing. Allele origin: germline.
Comment: This sequence change replaces histidine, which is basic and polar, with glutamine, which is neutral and polar, at codon 1299 of the RYR1 protein (p.His1299Gln). This variant is not present in population databases (gnomAD no frequency). This variant has not been reported in the literature in individuals affected with RYR1-related conditions. Advanced modeling of protein sequence and biophysical properties (such as structural, functional, and spatial information, amino acid conservation, physicochemical variation, residue mobility, and thermodynamic stability) has been performed at Invitae for this missense variant, however the output from this modeling did not meet the statistical confidence thresholds required to predict the impact of this variant on RYR1 protein function. In summary, the available evidence is currently insufficient to determine the role of this variant in disease. Therefore, it has been classified as a Variant of Uncertain Significance.

NM_000540.3(RYR1):c.3897C>A (p.His1299Gln)

Gene: RYR1 (ryanodine receptor 1; plus strand). Cytogenetic location: 19q13.2.
Variant type: single nucleotide variant.
Coding change: c.3897C>A on transcript NM_000540.3 (MANE Select); coding-DNA position 3897, C replaced by A.
Protein change: p.His1299Gln; replaces histidine 1299 with glutamine.
Molecular consequence: missense variant.
Genome position (GRCh38, 1-based): chr19:38,473,508, C>A. VCF-style: chr19-38473508-C-A. GRCh37 (hg19) VCF-style: chr19-38964148-C-A.
Other names: c.3897C>A, p.His1299Gln (NM_001042723.2); short protein forms H1299Q.
Identifiers: ClinVar variation 3615673 (VCV003615673.2).